The following is an entry in ClinVar:

NM_000097.7(CPOX):c.46G>C (p.Val16Leu)

Genes: CPOX (coproporphyrinogen oxidase; minus strand), LOC129937121 (ATAC-STARR-seq lymphoblastoid silent region 14560; plus strand). Cytogenetic location: 3q11.2.
Variant type: single nucleotide variant.
Coding change: c.46G>C on transcript NM_000097.7 (MANE Select); coding-DNA position 46, G replaced by C.
Protein change: p.Val16Leu; replaces valine 16 with leucine.
Molecular consequence: missense variant.
Genome position (GRCh38, 1-based): chr3:98,593,459, C>G on the plus strand (G>C on the coding strand, the complement: CPOX is on the minus strand). VCF-style: chr3-98593459-C-G. GRCh37 (hg19) VCF-style: chr3-98312303-C-G.
Other names: short protein forms V16L.
Identifiers: ClinVar variation 2011018 (VCV002011018.4), dbSNP rs1707530274, ClinGen allele CA353647255.
Genomic context (GRCh38, chr3:98,593,459, plus strand): 5'-GGAGCCCTCCGCCGCCGCACTGGGACCAGGCGCGGGGCCCTCCGCAGCCGCCCCGCGCCA[C>G]GAGCCAGCAGGGGCCCGAGCTCAGCCTGCCCAGCTGCAAGGCCATGTTCCCGCACTATCA-3'
Protein context (NP_000088.3, residues 6-26): GRLSSGPCWL[Val16Leu]ARGGCGGPRA

ClinVar aggregate classification (germline): Uncertain significance (1 of 4 stars; one submission).

Allele frequency attached by ClinVar (database versions not stated): gnomAD exomes below 0.00001; gnomAD 0.00001; TOPMed 0.00001.

Submission:

Labcorp Genetics (formerly Invitae), Labcorp
Classification: Uncertain significance. Last evaluated: 2023-12-06. Review status: criteria provided, single submitter. Criteria: Invitae Variant Classification Sherloc (09022015). Collection method: clinical testing. Allele origin: germline.
Comment: This sequence change replaces valine, which is neutral and non-polar, with leucine, which is neutral and non-polar, at codon 16 of the CPOX protein (p.Val16Leu). This variant is not present in population databases (gnomAD no frequency). This variant has not been reported in the literature in individuals affected with CPOX-related conditions. ClinVar contains an entry for this variant (Variation ID: 2011018). An algorithm developed to predict the effect of missense changes on protein structure and function (PolyPhen-2) suggests that this variant is likely to be tolerated. In summary, the available evidence is currently insufficient to determine the role of this variant in disease. Therefore, it has been classified as a Variant of Uncertain Significance.